The following is an entry in ClinVar:

NM_001012339.3(DNAJC21):c.97+5G>A

Genes: DNAJC21 (DnaJ heat shock protein family (Hsp40) member C21; plus strand), LOC129993792 (ATAC-STARR-seq lymphoblastoid silent region 15969; plus strand). Cytogenetic location: 5p13.2.
Variant type: single nucleotide variant.
Coding change: c.97+5G>A on transcript NM_001012339.3 (MANE Select); 5 bases into the intron after coding-DNA position 97, G replaced by A.
Molecular consequence: intron variant.
Genome position (GRCh38, 1-based): chr5:34,929,921, G>A. VCF-style: chr5-34929921-G-A. GRCh37 (hg19) VCF-style: chr5-34930026-G-A.
Other names: c.97+5G>A (NM_001348420.2, NM_194283.4).
Identifiers: ClinVar variation 724583 (VCV000724583.33), dbSNP rs200459314, ClinGen allele CA3228323.
Genomic context (GRCh38, chr5:34,929,921, plus strand): 5'-CAGCGAGGAGGAGCTCAAGAAGGCCTATCGGAAGCTGGCCCTGAAATGGCACCCGGGTAA[G>A]TACCTGTCCCGCAGCCCCCGCGGCCACTCGGAGAAGCCCGGCCCTCCCCGACCTTCCCTT-3'

ClinVar aggregate classification (germline): Benign/Likely benign. Review status: criteria provided, multiple submitters, no conflicts (2 of 4 stars). 2 submissions from 2 submitters: Benign (1); Likely benign (1). Last evaluated 2026-01-29.

Allele frequency attached by ClinVar (database versions not stated): gnomAD below 0.00001 and 0.00030; TOPMed 0.00005; gnomAD exomes 0.00057 and 0.00125; ExAC 0.00171; 1000 Genomes Project 30x 0.00265; 1000 Genomes Project 0.00280.
gnomAD v4.1: 853 of 1,570,026 alleles (0.054%); highest among the groups gnomAD compares: South Asian, 0.95%; 14 homozygotes.

Submissions (2):

Labcorp Genetics (formerly Invitae), Labcorp
Classification: Benign. Last evaluated: 2026-01-29. Review status: criteria provided, single submitter. Criteria: Invitae Variant Classification Sherloc (09022015). Collection method: clinical testing. Allele origin: germline.

CeGaT Center for Human Genetics Tuebingen
Classification: Likely benign. Last evaluated: 2025-03-01. Review status: criteria provided, single submitter. Criteria: CeGaT Center For Human Genetics Tuebingen Variant Classification Criteria Version 2. Collection method: clinical testing. Allele origin: germline. Affected: yes. Observed: 2 variant alleles.
Comment: DNAJC21: BP4, BS2